The following is an entry in ClinVar:

NM_002691.4(POLD1):c.719G>A (p.Ser240Asn)

Gene: POLD1 (DNA polymerase delta 1, catalytic subunit; plus strand). Cytogenetic location: 19q13.33.
Variant type: single nucleotide variant.
Coding change: c.719G>A on transcript NM_002691.4 (MANE Select); coding-DNA position 719, G replaced by A.
Protein change: p.Ser240Asn; replaces serine 240 with asparagine.
Molecular consequence: missense variant. On other transcripts: non-coding transcript variant (1).
Genome position (GRCh38, 1-based): chr19:50,402,334, G>A. VCF-style: chr19-50402334-G-A. GRCh37 (hg19) VCF-style: chr19-50905591-G-A.
Other names: c.719G>A, p.Ser240Asn (NM_001256849.1, NM_001308632.1); short protein forms S240N.
Identifiers: ClinVar variation 864743 (VCV000864743.12), dbSNP rs2038680089, ClinGen allele CA406974494.
Genomic context (GRCh38, chr19:50,402,334, plus strand): 5'-TGGCCCCGGCCCGCCGTCTCCTGGAACAGGGCATCCGTGTGGCAGGCCTGGGCACGCCCA[G>A]CTTCGCGCCCTACGAGGCCAACGTCGACTTTGAGATCCGGTACGGCCTCTGCCTCACTTC-3'
Protein context (NP_002682.2, residues 230-250): GIRVAGLGTP[Ser240Asn]FAPYEANVDF

ClinVar aggregate classification (germline): Uncertain significance. Review status: criteria provided, multiple submitters, no conflicts (2 of 4 stars). 2 submissions from 2 submitters: Uncertain significance (2). Last evaluated 2023-03-22.

Conditions:
Hereditary cancer-predisposing syndrome. Also called: Tumor predisposition; Hereditary Cancer Syndrome; Hereditary neoplastic syndrome; Neoplastic Syndromes, Hereditary. Identifiers: Orphanet 140162, MedGen C0027672, MeSH D009386, MONDO:0015356.
POLD1-related polyposis and colorectal cancer syndrome (CRCS10). Also called: Colorectal cancer 10; COLORECTAL CANCER, SUSCEPTIBILITY TO, ON CHROMOSOME 19q; Colorectal cancer, susceptibility to, 10. Identifiers: Orphanet 220460, MedGen C2675481, MONDO:0012953, OMIM 612591.

Submissions (2):

Labcorp Genetics (formerly Invitae), Labcorp
Classification: Uncertain significance for POLD1-related polyposis and colorectal cancer syndrome. Last evaluated: 2023-03-22. Review status: criteria provided, single submitter. Criteria: Invitae Variant Classification Sherloc (09022015). Collection method: clinical testing. Allele origin: germline.
Comment: This variant is not present in population databases (gnomAD no frequency). In summary, the available evidence is currently insufficient to determine the role of this variant in disease. Therefore, it has been classified as a Variant of Uncertain Significance. Advanced modeling of protein sequence and biophysical properties (such as structural, functional, and spatial information, amino acid conservation, physicochemical variation, residue mobility, and thermodynamic stability) performed at Invitae indicates that this missense variant is not expected to disrupt POLD1 protein function. ClinVar contains an entry for this variant (Variation ID: 864743). This variant has not been reported in the literature in individuals affected with POLD1-related conditions. This sequence change replaces serine, which is neutral and polar, with asparagine, which is neutral and polar, at codon 240 of the POLD1 protein (p.Ser240Asn).

Ambry Genetics
Classification: Uncertain significance for Hereditary cancer-predisposing syndrome. Last evaluated: 2022-02-13. Review status: criteria provided, single submitter. Criteria: Ambry Variant Classification Scheme 2023. Collection method: clinical testing. Allele origin: germline.
Comment: The p.S240N variant (also known as c.719G>A), located in coding exon 5 of the POLD1 gene, results from a G to A substitution at nucleotide position 719. The serine at codon 240 is replaced by asparagine, an amino acid with highly similar properties. This amino acid position is conserved. In addition, this alteration is predicted to be tolerated by in silico analysis. Since supporting evidence is limited at this time, the clinical significance of this alteration remains unclear.